The following is an entry in ClinVar:

NM_001905.4(CTPS1):c.3G>T (p.Met1Ile)

Gene: CTPS1 (CTP synthase 1; plus strand). Cytogenetic location: 1p34.2.
Variant type: single nucleotide variant.
Coding change: c.3G>T on transcript NM_001905.4 (MANE Select); coding-DNA position 3, G replaced by T.
Protein change: p.Met1Ile; changes the start codon (methionine 1).
Molecular consequence: missense variant, initiator codon variant. On other transcripts: non-coding transcript variant (1).
Genome position (GRCh38, 1-based): chr1:40,983,293, G>T. VCF-style: chr1-40983293-G-T. GRCh37 (hg19) VCF-style: chr1-41448965-G-T.
Other names: short protein forms M1I.
Identifiers: ClinVar variation 451721 (VCV000451721.3), dbSNP rs1553178485, ClinGen allele CA339901015.

ClinVar aggregate classification (germline): Uncertain significance (1 of 4 stars; one submission).

Submission:

GeneDx
Classification: Uncertain significance. Last evaluated: 2017-09-05. Review status: criteria provided, single submitter. Criteria: GeneDx Variant Classification (06012015). Collection method: clinical testing. Allele origin: germline. Affected: yes.
Comment: The c.3 G>T variant in the CTPS1 gene has not been reported previously as a pathogenic variant, nor as a benign variant, to our knowledge. As this variant changes the translation initiator Methionine codon, the resultant protein is described as p.Met1?, using a question mark to signify that it is not known if the loss of Met1 means that all protein translation is completely prevented or if an abnormal protein is produced using an alternate Methionine. The c.3 G>T variant is not observed in large population cohorts (Lek et al., 2016; 1000 Genomes Consortium et al., 2015; Exome Variant Server). We interpret c.3 G>T as a variant of uncertain significance.